The following is an entry in ClinVar:

ClinVar aggregate classification (germline): Uncertain significance. Review status: criteria provided, multiple submitters, no conflicts (2 of 4 stars). 2 submissions from 2 submitters: Uncertain significance (2). Last evaluated 2023-06-02.

Conditions:
FGFR3-related disorder. Also called: FGFR3-related disorders.

gnomAD v4.1: 7 of 1,613,190 alleles (0.00043%); highest among the groups gnomAD compares: Non-Finnish European, 0.00059%; 1 homozygote.

Submissions (2):

PreventionGenetics, part of Exact Sciences
Classification: Uncertain significance for FGFR3-related condition. Last evaluated: 2023-06-02. Review status: criteria provided, single submitter. Criteria: ACMG Guidelines, 2015. Collection method: clinical testing. Allele origin: germline.
Comment: The FGFR3 c.1546G>C variant is predicted to result in the amino acid substitution p.Asp516His. To our knowledge, this variant has not been reported in the literature. This variant is reported in 0.00088% of alleles in individuals of European (Non-Finnish) descent in gnomAD. At this time, the clinical significance of this variant is uncertain due to the absence of conclusive functional and genetic evidence.

GeneDx
Classification: Uncertain significance. Last evaluated: 2023-05-09. Review status: criteria provided, single submitter. Criteria: GeneDx Variant Classification Process June 2021. Collection method: clinical testing. Allele origin: germline. Affected: yes.
Comment: Not observed at a significant frequency in large population cohorts (gnomAD); In silico analysis supports that this missense variant has a deleterious effect on protein structure/function; Has not been previously published as pathogenic or benign to our knowledge

NM_000142.5(FGFR3):c.1546G>C (p.Asp516His)

Gene: FGFR3 (fibroblast growth factor receptor 3; plus strand). Cytogenetic location: 4p16.3.
Variant type: single nucleotide variant.
Coding change: c.1546G>C on transcript NM_000142.5 (MANE Select); coding-DNA position 1546, G replaced by C.
Protein change: p.Asp516His; replaces aspartic acid 516 with histidine.
Molecular consequence: missense variant. On other transcripts: non-coding transcript variant (1).
Genome position (GRCh38, 1-based): chr4:1,805,570, G>C. VCF-style: chr4-1805570-G-C. GRCh37 (hg19) VCF-style: chr4-1807297-G-C.
Other names: c.1552G>C, p.Asp518His (NM_001163213.2); c.1549G>C, p.Asp517His (NM_001354809.2, NM_001354810.2); c.1210G>C, p.Asp404His (NM_022965.4); short protein forms D404H, D516H, D517H, D518H.
Identifiers: ClinVar variation 2501940 (VCV002501940.2), dbSNP rs779377617, ClinGen allele CA2810468.